The following is an entry in ClinVar:

ClinVar aggregate classification (germline): Likely benign. Review status: criteria provided, single submitter (1 of 4 stars). 2 submissions from 2 submitters: Likely benign (1). 1 of the submissions does not count toward it. Last evaluated 2024-04-12.

Conditions:
PKD1-related disorder. Also called: PKD1-related condition.

Allele frequency attached by ClinVar (database versions not stated): TOPMed 0.00002; gnomAD 0.00007; 1000 Genomes Project 0.00020; 1000 Genomes Project 30x 0.00031; ExAC 0.00216.

Submissions (2):

Blueprint Genetics
Classification: Likely benign. Last evaluated: 2024-04-12. Review status: criteria provided, single submitter. Criteria: ACMG Guidelines, 2015. Collection method: clinical testing. Allele origin: germline.

PreventionGenetics, part of Exact Sciences
Classification: Benign for PKD1-related condition. Last evaluated: 2021-05-13. Review status: no assertion criteria provided. Collection method: clinical testing. Allele origin: germline. Not counted in ClinVar's aggregate classification.
Comment: This variant is classified as benign based on ACMG/AMP sequence variant interpretation guidelines (Richards et al. 2015 PMID: 25741868, with internal and published modifications).

NM_001009944.3(PKD1):c.9204G>C (p.Glu3068Asp)

Gene: PKD1 (polycystin 1, transient receptor potential channel interacting; minus strand). Cytogenetic location: 16p13.3.
Variant type: single nucleotide variant.
Coding change: c.9204G>C on transcript NM_001009944.3 (MANE Select); coding-DNA position 9204, G replaced by C.
Protein change: p.Glu3068Asp; replaces glutamic acid 3068 with aspartic acid.
Molecular consequence: missense variant.
Genome position (GRCh38, 1-based): chr16:2,102,254, C>G on the plus strand (G>C on the coding strand, the complement: PKD1 is on the minus strand). VCF-style: chr16-2102254-C-G. GRCh37 (hg19) VCF-style: chr16-2152255-C-G.
Other names: c.9204G>C, p.Glu3068Asp (NM_000296.4); short protein forms E3068D.
Identifiers: ClinVar variation 3042590 (VCV003042590.3), dbSNP rs552766795, ClinGen allele CA7830157.